The following is an entry in ClinVar:

NM_001555.5(IGSF1):c.2146_2148del (p.Lys716del)

Gene: IGSF1 (immunoglobulin superfamily member 1; minus strand). Cytogenetic location: Xq26.1.
Variant type: Deletion.
Coding change: c.2146_2148del on transcript NM_001555.5 (MANE Select); coding-DNA positions 2146 to 2148, 3 bases deleted (AAG; older notation c.2146_2148delAAG).
Protein change: p.Lys716del; deletes lysine 716.
Molecular consequence: inframe deletion.
Genome position (GRCh38, 1-based): chrX:131,278,028-131,278,030, CTT deleted on the plus strand (AAG on the coding strand, the reverse complement: IGSF1 is on the minus strand). VCF-style (leftmost placement, unchanged base first): chrX-131278027-CCTT-C. GRCh37 (hg19) VCF-style: chrX-130412001-CCTT-C.
Other names: c.2161_2163del, p.Lys721del (NM_001170961.2, NM_001438811.1, NM_001438814.1); c.2119_2121del, p.Lys707del (NM_001170962.2); c.2146_2148del, p.Lys716del (NM_001438812.1, NM_001438813.1, NM_001438815.1); short protein forms K707del, K716del, K721del.
Identifiers: ClinVar variation 4884027 (VCV004884027.2).

ClinVar aggregate classification (germline): Uncertain significance (1 of 4 stars; one submission).

Submission:

Dasa
Classification: Uncertain significance. Last evaluated: 2025-02-07. Review status: criteria provided, single submitter. Criteria: DASA Assertion Criteria. Collection method: clinical testing. Allele origin: germline.
Comment: NM_001555.5(IGSF1):c.2146_2148del (p.Lys716del) is an in-frame deletion predicted to remove lysine at protein position 716 without shifting the reading frame. This variant is absent from population databases. The currently available literature and clinical evidence are not sufficient to establish a definitive association between this variant and the reported condition. Therefore, this variant is classified as a variant of uncertain significance.